The following is an entry in ClinVar:

NM_001270508.2(TNFAIP3):c.1943C>T (p.Ala648Val)

Gene: TNFAIP3 (TNF alpha induced protein 3; plus strand). Cytogenetic location: 6q23.3.
Variant type: single nucleotide variant.
Coding change: c.1943C>T on transcript NM_001270508.2 (MANE Select); coding-DNA position 1943, C replaced by T.
Protein change: p.Ala648Val; replaces alanine 648 with valine.
Molecular consequence: missense variant.
Genome position (GRCh38, 1-based): chr6:137,880,107, C>T. VCF-style: chr6-137880107-C-T. GRCh37 (hg19) VCF-style: chr6-138201244-C-T.
Other names: c.1943C>T, p.Ala648Val (NM_001270507.2, NM_006290.4); short protein forms A648V.
Identifiers: ClinVar variation 1904045 (VCV001904045.5), dbSNP rs543704449, ClinGen allele CA4019760.

ClinVar aggregate classification (germline): Uncertain significance (1 of 4 stars; one submission).

Allele frequency attached by ClinVar (database versions not stated): gnomAD 0.00001; gnomAD exomes 0.00001; ExAC 0.00002; TOPMed 0.00002; 1000 Genomes Project 0.00020; 1000 Genomes Project 30x 0.00031.
gnomAD v4.1: 13 of 1,614,120 alleles (0.00081%); highest among the groups gnomAD compares: South Asian, 0.0055%; no homozygotes.

Submission:

Labcorp Genetics (formerly Invitae), Labcorp
Classification: Uncertain significance. Last evaluated: 2025-11-14. Review status: criteria provided, single submitter. Criteria: Invitae Variant Classification Sherloc (09022015). Collection method: clinical testing. Allele origin: germline.
Comment: This sequence change replaces alanine, which is neutral and non-polar, with valine, which is neutral and non-polar, at codon 648 of the TNFAIP3 protein (p.Ala648Val). This variant is present in population databases (rs543704449, gnomAD 0.01%). This variant has not been reported in the literature in individuals affected with TNFAIP3-related conditions. This missense change has been observed in at least one individual who was not affected with TNFAIP3-related conditions (internal data). ClinVar contains an entry for this variant (Variation ID: 1904045). An algorithm developed to predict the effect of missense changes on protein structure and function (PolyPhen-2) suggests that this variant is likely to be tolerated. In summary, the available evidence is currently insufficient to determine the role of this variant in disease. Therefore, it has been classified as a Variant of Uncertain Significance.